The following is an entry in ClinVar:

NM_001355436.2(SPTB):c.2934G>A (p.Glu978=)

Gene: SPTB (spectrin beta, erythrocytic; minus strand). Cytogenetic location: 14q23.3.
Variant type: single nucleotide variant.
Coding change: c.2934G>A on transcript NM_001355436.2 (MANE Select); coding-DNA position 2934, G replaced by A.
Protein change: p.Glu978=; no amino-acid change (glutamic acid 978 retained).
Molecular consequence: synonymous variant.
Genome position (GRCh38, 1-based): chr14:64,787,031, C>T on the plus strand (G>A on the coding strand, the complement: SPTB is on the minus strand). VCF-style: chr14-64787031-C-T. GRCh37 (hg19) VCF-style: chr14-65253749-C-T.
Other names: p.Glu978=; c.2934G>A, p.Glu978= (NM_001024858.4, NM_001355437.2).
Identifiers: ClinVar variation 313744 (VCV000313744.28), dbSNP rs72724498, ClinGen allele CA7230733.

ClinVar aggregate classification (germline): Benign/Likely benign. Review status: criteria provided, multiple submitters, no conflicts (2 of 4 stars). 5 submissions from 5 submitters: Benign (3); Likely benign (2). Last evaluated 2026-01-26.

Allele frequency attached by ClinVar (database versions not stated): 1000 Genomes Project 0.00619; 1000 Genomes Project 30x 0.00671; TOPMed 0.01371; gnomAD 0.01536; ESP Exome Variant Server 0.01638; gnomAD exomes 0.01930.
gnomAD v4.1: 30,212 of 1,614,096 alleles (1.9%); highest among the groups gnomAD compares: Non-Finnish European, 2.3%; 346 homozygotes.

Submissions (5):

Labcorp Genetics (formerly Invitae), Labcorp
Classification: Benign. Last evaluated: 2026-01-26. Review status: criteria provided, single submitter. Criteria: Invitae Variant Classification Sherloc (09022015). Collection method: clinical testing. Allele origin: germline.

ARUP Laboratories, Molecular Genetics and Genomics, ARUP Laboratories
Classification: Benign. Last evaluated: 2025-07-01. Review status: criteria provided, single submitter. Criteria: ARUP Molecular Germline Variant Investigation Process 2024. Collection method: clinical testing. Allele origin: germline.

Blueprint Genetics
Classification: Likely benign. Last evaluated: 2024-11-27. Review status: criteria provided, single submitter. Criteria: ACMG Guidelines, 2015. Collection method: clinical testing. Allele origin: germline.

Mayo Clinic Laboratories, Mayo Clinic
Classification: Benign. Last evaluated: 2022-05-17. Review status: criteria provided, single submitter. Criteria: ACMG Guidelines, 2015. Collection method: clinical testing. Allele origin: germline. Observed: 60 variant alleles.
Comment: BS1, BS2, BP4, BP7

Breakthrough Genomics
Classification: Likely benign. Review status: criteria provided, single submitter. Criteria: ACMG Guidelines, 2015. Collection method: not provided. Allele origin: germline. Inheritance: Autosomal dominant inheritance. Affected: yes.